The following is an entry in ClinVar:

ClinVar aggregate classification (germline): Likely benign. Review status: criteria provided, multiple submitters, no conflicts (2 of 4 stars). 2 submissions from 2 submitters: Likely benign (2). Last evaluated 2025-09-01.

Conditions:
Spastic paraplegia. Identifiers: MedGen C0037772, HP:0001258.

Allele frequency attached by ClinVar (database versions not stated): ExAC 0.00002; gnomAD 0.00002 and 0.00003; gnomAD exomes 0.00003; TOPMed 0.00003.

Submissions (2):

CeGaT Center for Human Genetics Tuebingen
Classification: Likely benign. Last evaluated: 2025-09-01. Review status: criteria provided, single submitter. Criteria: CeGaT Center For Human Genetics Tuebingen Variant Classification Criteria Version 2. Collection method: clinical testing. Allele origin: germline. Affected: yes. Observed: 1 variant allele.
Comment: ZFYVE26: BP4, BP7

Labcorp Genetics (formerly Invitae), Labcorp
Classification: Likely benign for Spastic paraplegia. Last evaluated: 2025-06-30. Review status: criteria provided, single submitter. Criteria: Invitae Variant Classification Sherloc (09022015). Collection method: clinical testing. Allele origin: germline.

NM_015346.4(ZFYVE26):c.577C>T (p.Leu193=)

Gene: ZFYVE26 (zinc finger FYVE-type containing 26; minus strand). Cytogenetic location: 14q24.1.
Variant type: single nucleotide variant.
Coding change: c.577C>T on transcript NM_015346.4 (MANE Select); coding-DNA position 577, C replaced by T.
Protein change: p.Leu193=; no amino-acid change (leucine 193 retained).
Molecular consequence: synonymous variant.
Genome position (GRCh38, 1-based): chr14:67,807,707, G>A on the plus strand (C>T on the coding strand, the complement: ZFYVE26 is on the minus strand). VCF-style: chr14-67807707-G-A. GRCh37 (hg19) VCF-style: chr14-68274424-G-A.
Identifiers: ClinVar variation 1111786 (VCV001111786.16), dbSNP rs781310266, ClinGen allele CA7240766.